The following is an entry in ClinVar:

NM_005477.3(HCN4):c.194C>T (p.Thr65Met)

Gene: HCN4 (hyperpolarization activated cyclic nucleotide gated potassium channel 4; minus strand). Cytogenetic location: 15q24.1.
Variant type: single nucleotide variant.
Coding change: c.194C>T on transcript NM_005477.3 (MANE Select); coding-DNA position 194, C replaced by T.
Protein change: p.Thr65Met; replaces threonine 65 with methionine.
Molecular consequence: missense variant.
Genome position (GRCh38, 1-based): chr15:73,368,077, G>A on the plus strand (C>T on the coding strand, the complement: HCN4 is on the minus strand). VCF-style: chr15-73368077-G-A. GRCh37 (hg19) VCF-style: chr15-73660418-G-A.
Other names: short protein forms T65M.
Identifiers: ClinVar variation 1383340 (VCV001383340.6), dbSNP rs760387977, ClinGen allele CA7649497.

ClinVar aggregate classification (germline): Uncertain significance (1 of 4 stars; one submission).

Conditions:
Brugada syndrome 8 (BRGDA8). Identifiers: Orphanet 130, MedGen C2751083, MONDO:0013148, OMIM 613123.

Allele frequency attached by ClinVar (database versions not stated): TOPMed below 0.00001; gnomAD exomes 0.00001 and 0.00004; ExAC 0.00013.
gnomAD v4.1: 11 of 1,487,562 alleles (0.00074%); highest among the groups gnomAD compares: South Asian, 0.013%; no homozygotes.

Submission:

Labcorp Genetics (formerly Invitae), Labcorp
Classification: Uncertain significance for Brugada syndrome 8. Last evaluated: 2025-12-14. Review status: criteria provided, single submitter. Criteria: Invitae Variant Classification Sherloc (09022015). Collection method: clinical testing. Allele origin: germline.
Comment: This sequence change replaces threonine, which is neutral and polar, with methionine, which is neutral and non-polar, at codon 65 of the HCN4 protein (p.Thr65Met). This variant is present in population databases (rs760387977, gnomAD 0.02%). This variant has not been reported in the literature in individuals affected with HCN4-related conditions. ClinVar contains an entry for this variant (Variation ID: 1383340). Invitae Evidence Modeling of protein sequence and biophysical properties (such as structural, functional, and spatial information, amino acid conservation, physicochemical variation, residue mobility, and thermodynamic stability) indicates that this missense variant is not expected to disrupt HCN4 protein function with a negative predictive value of 95%. In summary, the available evidence is currently insufficient to determine the role of this variant in disease. Therefore, it has been classified as a Variant of Uncertain Significance.